The following is an entry in ClinVar:

ClinVar aggregate classification (germline): Uncertain significance (1 of 4 stars; one submission).

Conditions:
Long QT syndrome (LQTS). Identifiers: MedGen C0023976, MeSH D008133, MONDO:0002442. Disease mechanism: loss of function. Inheritance: Various modes of inheritance.

gnomAD v4.1: 1 of 1,606,090 alleles (0.000062%); highest among the groups gnomAD compares: Admixed American, 0.0017%; no homozygotes.

Submission:

Labcorp Genetics (formerly Invitae), Labcorp
Classification: Uncertain significance for Long QT syndrome. Last evaluated: 2025-11-22. Review status: criteria provided, single submitter. Criteria: Invitae Variant Classification Sherloc (09022015). Collection method: clinical testing. Allele origin: germline.
Comment: This sequence change replaces glycine, which is neutral and non-polar, with aspartic acid, which is acidic and polar, at codon 3566 of the AKAP9 protein (p.Gly3566Asp). This variant is present in population databases (rs751134353, gnomAD 0.003%). This variant has not been reported in the literature in individuals affected with AKAP9-related conditions. An algorithm developed to predict the effect of missense changes on protein structure and function outputs the following: PolyPhen-2: "Benign". The aspartic acid amino acid residue is found in multiple mammalian species, which suggests that this missense change does not adversely affect protein function. In summary, the available evidence is currently insufficient to determine the role of this variant in disease. Therefore, it has been classified as a Variant of Uncertain Significance.

NM_005751.5(AKAP9):c.10697G>A (p.Gly3566Asp)

Gene: AKAP9 (A-kinase anchoring protein 9; plus strand). Cytogenetic location: 7q21.2.
Variant type: single nucleotide variant.
Coding change: c.10697G>A on transcript NM_005751.5 (MANE Select); coding-DNA position 10697, G replaced by A.
Protein change: p.Gly3566Asp; replaces glycine 3566 with aspartic acid.
Molecular consequence: missense variant.
Genome position (GRCh38, 1-based): chr7:92,098,198, G>A. VCF-style: chr7-92098198-G-A. GRCh37 (hg19) VCF-style: chr7-91727512-G-A.
Other names: c.5342G>A, p.Gly1781Asp (NM_001379277.1); c.10673G>A, p.Gly3558Asp (NM_147185.3); short protein forms G1781D, G3558D, G3566D.
Identifiers: ClinVar variation 4808523 (VCV004808523.1).